The following is an entry in ClinVar:

ClinVar aggregate classification (germline): Uncertain significance. Review status: criteria provided, multiple submitters, no conflicts (2 of 4 stars). 2 submissions from 2 submitters: Uncertain significance (2). Last evaluated 2024-05-31.

Conditions:
Hajdu-Cheney syndrome (HJCYS). Also called: ACROOSTEOLYSIS WITH OSTEOPOROSIS AND CHANGES IN SKULL AND MANDIBLE; SERPENTINE FIBULA-POLYCYSTIC KIDNEY SYNDROME; Acroosteolysis dominant type. Identifiers: Orphanet 955, MedGen C0917715, MONDO:0007057, OMIM 102500.
Alagille syndrome due to a NOTCH2 point mutation. Also called: Alagille syndrome 2. Identifiers: Orphanet 261629, Orphanet 52, MedGen C1857761, MONDO:0012439, OMIM 610205.

Allele frequency attached by ClinVar (database versions not stated): ExAC 0.00002; TOPMed 0.00003.
gnomAD v4.1: 58 of 1,607,964 alleles (0.0036%); highest among the groups gnomAD compares: South Asian, 0.0077%; no homozygotes.

Submissions (2):

Fulgent Genetics
Classification: Uncertain significance for Hajdu-Cheney syndrome; Alagille syndrome due to a NOTCH2 point mutation. Last evaluated: 2024-05-31. Review status: criteria provided, single submitter. Criteria: ACMG Guidelines, 2015. Collection method: clinical testing. Allele origin: germline.

Labcorp Genetics (formerly Invitae), Labcorp
Classification: Uncertain significance for Hajdu-Cheney syndrome. Last evaluated: 2023-11-18. Review status: criteria provided, single submitter. Criteria: Invitae Variant Classification Sherloc (09022015). Collection method: clinical testing. Allele origin: germline.
Comment: This sequence change replaces alanine, which is neutral and non-polar, with valine, which is neutral and non-polar, at codon 2333 of the NOTCH2 protein (p.Ala2333Val). This variant is present in population databases (rs768047492, gnomAD 0.02%). This variant has not been reported in the literature in individuals affected with NOTCH2-related conditions. Advanced modeling of protein sequence and biophysical properties (such as structural, functional, and spatial information, amino acid conservation, physicochemical variation, residue mobility, and thermodynamic stability) performed at Invitae indicates that this missense variant is not expected to disrupt NOTCH2 protein function with a negative predictive value of 80%. In summary, the available evidence is currently insufficient to determine the role of this variant in disease. Therefore, it has been classified as a Variant of Uncertain Significance.

NM_024408.4(NOTCH2):c.6998C>T (p.Ala2333Val)

Gene: NOTCH2 (notch receptor 2; minus strand). Cytogenetic location: 1p12.
Variant type: single nucleotide variant.
Coding change: c.6998C>T on transcript NM_024408.4 (MANE Select); coding-DNA position 6998, C replaced by T.
Protein change: p.Ala2333Val; replaces alanine 2333 with valine.
Molecular consequence: missense variant.
Genome position (GRCh38, 1-based): chr1:119,915,724, G>A on the plus strand (C>T on the coding strand, the complement: NOTCH2 is on the minus strand). VCF-style: chr1-119915724-G-A. GRCh37 (hg19) VCF-style: chr1-120458347-G-A.
Other names: short protein forms A2333V.
Identifiers: ClinVar variation 2759176 (VCV002759176.4), dbSNP rs768047492, ClinGen allele CA1039339.